The following is an entry in ClinVar:

NM_005477.3(HCN4):c.2288C>A (p.Ala763Asp)

Gene: HCN4 (hyperpolarization activated cyclic nucleotide gated potassium channel 4; minus strand). Cytogenetic location: 15q24.1.
Variant type: single nucleotide variant.
Coding change: c.2288C>A on transcript NM_005477.3 (MANE Select); coding-DNA position 2288, C replaced by A.
Protein change: p.Ala763Asp; replaces alanine 763 with aspartic acid.
Molecular consequence: missense variant.
Genome position (GRCh38, 1-based): chr15:73,323,805, G>T on the plus strand (C>A on the coding strand, the complement: HCN4 is on the minus strand). VCF-style: chr15-73323805-G-T. GRCh37 (hg19) VCF-style: chr15-73616146-G-T.
Other names: short protein forms A763D.
Identifiers: ClinVar variation 969293 (VCV000969293.8), dbSNP rs375146815, ClinGen allele CA7649058.

ClinVar aggregate classification (germline): Conflicting classifications of pathogenicity. Review status: criteria provided, conflicting classifications (1 of 4 stars). 2 submissions from 2 submitters: Uncertain significance (1); Likely benign (1). Last evaluated 2023-11-02.

Conditions:
Cardiovascular phenotype. Identifiers: MedGen CN230736.
Brugada syndrome 8 (BRGDA8). Identifiers: Orphanet 130, MedGen C2751083, MONDO:0013148, OMIM 613123.

Allele frequency attached by ClinVar (database versions not stated): ExAC 0.00001; gnomAD exomes 0.00001; TOPMed 0.00001; ESP Exome Variant Server 0.00008.
gnomAD v4.1: 19 of 1,607,288 alleles (0.0012%); highest among the groups gnomAD compares: Non-Finnish European, 0.0016%; no homozygotes.

Submissions (2):

Ambry Genetics
Classification: Likely benign for Cardiovascular phenotype. Last evaluated: 2023-11-02. Review status: criteria provided, single submitter. Criteria: Ambry Variant Classification Scheme 2023. Collection method: clinical testing. Allele origin: germline.

Labcorp Genetics (formerly Invitae), Labcorp
Classification: Uncertain significance for Brugada syndrome 8. Last evaluated: 2021-12-10. Review status: criteria provided, single submitter. Criteria: Invitae Variant Classification Sherloc (09022015). Collection method: clinical testing. Allele origin: germline.
Comment: In summary, the available evidence is currently insufficient to determine the role of this variant in disease. Therefore, it has been classified as a Variant of Uncertain Significance. Advanced modeling of protein sequence and biophysical properties (such as structural, functional, and spatial information, amino acid conservation, physicochemical variation, residue mobility, and thermodynamic stability) performed at Invitae indicates that this missense variant is not expected to disrupt HCN4 protein function. ClinVar contains an entry for this variant (Variation ID: 969293). This variant has not been reported in the literature in individuals affected with HCN4-related conditions. The frequency data for this variant in the population databases is considered unreliable, as metrics indicate poor data quality at this position in the gnomAD database. This sequence change replaces alanine, which is neutral and non-polar, with aspartic acid, which is acidic and polar, at codon 763 of the HCN4 protein (p.Ala763Asp).